The following is an entry in ClinVar:

ClinVar aggregate classification (germline): Likely pathogenic. Review status: criteria provided, single submitter (1 of 4 stars). 2 submissions from 2 submitters: Likely pathogenic (1). 1 of the submissions does not count toward it. Last evaluated 2023-06-13.

Conditions:
Wolfram syndrome 1 (WFS1). Identifiers: Orphanet 3463, MedGen C4551693, MONDO:0009101, OMIM 222300.

Submissions (2):

Labcorp Genetics (formerly Invitae), Labcorp
Classification: Likely pathogenic. Last evaluated: 2023-06-13. Review status: criteria provided, single submitter. Criteria: Invitae Variant Classification Sherloc (09022015). Collection method: clinical testing. Allele origin: germline.
Comment: This variant is not present in population databases (gnomAD no frequency). This sequence change replaces alanine, which is neutral and non-polar, with aspartic acid, which is acidic and polar, at codon 559 of the WFS1 protein (p.Ala559Asp). This missense change has been observed in individual(s) with autosomal recessive Wolfram syndrome (PMID: 24890733). In at least one individual the data is consistent with being in trans (on the opposite chromosome) from a pathogenic variant. In summary, the currently available evidence indicates that the variant is pathogenic, but additional data are needed to prove that conclusively. Therefore, this variant has been classified as Likely Pathogenic. This variant disrupts the p.Ala559 amino acid residue in WFS1. Other variant(s) that disrupt this residue have been observed in individuals with WFS1-related conditions (PMID: 34970515), which suggests that this may be a clinically significant amino acid residue. Advanced modeling of protein sequence and biophysical properties (such as structural, functional, and spatial information, amino acid conservation, physicochemical variation, residue mobility, and thermodynamic stability) has been performed at Invitae for this missense variant, however the output from this modeling did not meet the statistical confidence thresholds required to predict the impact of this variant on WFS1 protein function.

Undiagnosed Diseases Network, NIH
Classification: Likely pathogenic for Wolfram syndrome 1. Last evaluated: 2023-12-19. Review status: no assertion criteria provided. Collection method: clinical testing. Allele origin: unknown. Inheritance: Autosomal recessive inheritance. Affected: yes. Observed: 1 variant allele, 1 heterozygote. Study: Undiagnosed Diseases Network (NIH), UDN. Not counted in ClinVar's aggregate classification.

Literature cited by the submitters: PubMed 24890733 (cited by Labcorp Genetics (formerly Invitae), Labcorp); PubMed 34970515 (cited by Labcorp Genetics (formerly Invitae), Labcorp).

NM_006005.3(WFS1):c.1676C>A (p.Ala559Asp)

Gene: WFS1 (wolframin ER transmembrane glycoprotein; plus strand). Cytogenetic location: 4p16.1.
Variant type: single nucleotide variant.
Coding change: c.1676C>A on transcript NM_006005.3 (MANE Select); coding-DNA position 1676, C replaced by A.
Protein change: p.Ala559Asp; replaces alanine 559 with aspartic acid.
Molecular consequence: missense variant.
Genome position (GRCh38, 1-based): chr4:6,301,471, C>A. VCF-style: chr4-6301471-C-A. GRCh37 (hg19) VCF-style: chr4-6303198-C-A.
Other names: p.Ala559Asp; c.1676C>A, p.Ala559Asp (NM_001145853.1); short protein forms A559D.
Identifiers: ClinVar variation 2734643 (VCV002734643.4), dbSNP rs773343292, ClinGen allele CA356176485.
Genomic context (GRCh38, chr4:6,301,471, plus strand): 5'-TGTGGTGTGAGCTCTCCGTGGTCATCCTGCTGGAGTCCACCGGCCTGGGGCTGCTCCGCG[C>A]CTCCATCGGCTACTTCCTCTTCCTCTTTGCCCTCCCCATCCTGGTGGCCGGCCTGGCCCT-3'
Protein context (NP_005996.2, residues 549-569): LESTGLGLLR[Ala559Asp]SIGYFLFLFA